The following is an entry in ClinVar:

NM_000342.4(SLC4A1):c.2184C>T (p.Thr728=)

Gene: SLC4A1 (solute carrier family 4 member 1 (Diego blood group); minus strand). Cytogenetic location: 17q21.31.
Variant type: single nucleotide variant.
Coding change: c.2184C>T on transcript NM_000342.4 (MANE Select); coding-DNA position 2184, C replaced by T.
Protein change: p.Thr728=; no amino-acid change (threonine 728 retained).
Molecular consequence: synonymous variant.
Genome position (GRCh38, 1-based): chr17:44,253,245, G>A on the plus strand (C>T on the coding strand, the complement: SLC4A1 is on the minus strand). VCF-style: chr17-44253245-G-A. GRCh37 (hg19) VCF-style: chr17-42330613-G-A.
Identifiers: ClinVar variation 711357 (VCV000711357.31), dbSNP rs150858709, ClinGen allele CA8600101.

ClinVar aggregate classification (germline): Likely benign. Review status: criteria provided, multiple submitters, no conflicts (2 of 4 stars). 3 submissions from 3 submitters: Likely benign (3). Last evaluated 2023-09-26.

Allele frequency attached by ClinVar (database versions not stated): gnomAD exomes 0.00001 and 0.00002; ExAC 0.00002; gnomAD 0.00002 and 0.00003; TOPMed 0.00005; ESP Exome Variant Server 0.00008; 1000 Genomes Project 0.00020; 1000 Genomes Project 30x 0.00031.
gnomAD v4.1: 18 of 1,614,002 alleles (0.0011%); highest among the groups gnomAD compares: African/African-American, 0.012%; no homozygotes.

Submissions (3):

Blueprint Genetics
Classification: Likely benign. Last evaluated: 2023-09-26. Review status: criteria provided, single submitter. Criteria: ACMG Guidelines, 2015. Collection method: clinical testing. Allele origin: germline.

Labcorp Genetics (formerly Invitae), Labcorp
Classification: Likely benign. Last evaluated: 2023-04-20. Review status: criteria provided, single submitter. Criteria: Invitae Variant Classification Sherloc (09022015). Collection method: clinical testing. Allele origin: germline.

CeGaT Center for Human Genetics Tuebingen
Classification: Likely benign. Last evaluated: 2022-05-01. Review status: criteria provided, single submitter. Criteria: CeGaT Center For Human Genetics Tuebingen Variant Classification Criteria Version 2. Collection method: clinical testing. Allele origin: germline. Affected: yes. Observed: 1 variant allele.
Comment: SLC4A1: BP4, BP7